The following is an entry in ClinVar:

NM_000465.4(BARD1):c.1904-12_1904-10delinsGGG

Gene: BARD1 (BRCA1 associated RING domain 1; minus strand). Cytogenetic location: 2q35.
Variant type: Indel.
Coding change: c.1904-12_1904-10delinsGGG on transcript NM_000465.4 (MANE Select); 12 bases into the intron before coding-DNA position 1904 through 10 bases into the intron before coding-DNA position 1904, TGT replaced by GGG.
Molecular consequence: intron variant.
Genome position (GRCh38, 1-based): chr2:214,730,518-214,730,520, ACA replaced by CCC on the plus strand (TGT replaced by GGG on the coding strand, the reverse complement: BARD1 is on the minus strand). VCF-style: chr2-214730518-ACA-CCC. GRCh37 (hg19) VCF-style: chr2-215595242-ACA-CCC.
Other names: c.494-12_494-10delinsGGG (NM_001282548.2); c.1847-12_1847-10delinsGGG (NM_001282543.2); c.551-12_551-10delinsGGG (NM_001282545.2); c.365-12_365-10delinsGGG (NM_001282549.2).
Identifiers: ClinVar variation 1049603 (VCV001049603.3), dbSNP rs2105990964, ClinGen allele CA2499215608.

ClinVar aggregate classification (germline): Uncertain significance. Review status: criteria provided, single submitter (1 of 4 stars). 2 submissions from 2 submitters: Uncertain significance (1). 1 of the submissions does not count toward it. Last evaluated 2026-07-14.

Conditions:
Malignant tumor of breast. Also called: Malignant breast neoplasm; Cancer breast. Identifiers: MedGen C0006142, MONDO:0007254. Disease mechanism: loss of function.
Hereditary breast ovarian cancer syndrome. Also called: Hereditary breast and ovarian cancer; Hereditary breast and/or ovarian cancer syndrome; Breast and ovarian cancer; BRCA1- and BRCA2-Associated Hereditary Breast and Ovarian Cancer; Hereditary breast and ovarian cancer syndrome; Hereditary breast and ovarian cancer syndrome (HBOC). Identifiers: Orphanet 145, MedGen C0677776, MeSH D061325, MONDO:0003582. Disease mechanism: loss of function.

Submissions (2):

German Consortium for Hereditary Breast and Ovarian Cancer, University Hospital Cologne
Classification: Uncertain significance for Hereditary breast ovarian cancer syndrome. Last evaluated: 2026-07-14. Review status: criteria provided, single submitter. Criteria: ACMG SVI. Collection method: curation. Allele origin: germline.
Comment: This classification follows the ACMG SVI adaptation classification scheme; We chose these criteria: PM2 (supporting pathogenic): absent from gnomAD v2/3/4, PP3 (supporting pathogenic): SpliceAI AL = 0.32

Department of Pathology and Laboratory Medicine, Sinai Health System
Classification: Uncertain significance for Malignant tumor of breast. Review status: no assertion criteria provided. Collection method: clinical testing. Allele origin: unknown. Affected: yes. Study: The Canadian Open Genetics Repository (COGR). Not counted in ClinVar's aggregate classification.
Comment: The BARD1 c.1904-12_1904-10delinsGGG variant was not identified in the literature nor was it identified in the dbSNP, ClinVar, Cosmic, or Zhejiang University databases. The variant was not identified in the following control databases: the Exome Aggregation Consortium (August 8th 2016) or the Genome Aggregation Database (Feb 27, 2017). The c.1904-12_1904-10delinsGGG variant is located in the 3' splice region but does not affect the invariant -1 and -2 positions. However, positions -3 and -5 to -12 are part of the splicing consensus sequence and variants involving these positions sometimes affect splicing. In addition, 5 of 5 in silico or computational prediction software programs (SpliceSiteFinder, MaxEntScan, NNSPLICE, GeneSplicer, HumanSpliceFinder) predict a greater than 10% difference in splicing. In summary, based on the above information, the clinical significance of this variant cannot be determined with certainty at this time. This variant is classified as a variant of uncertain significance.